The following is an entry in ClinVar:

ClinVar aggregate classification (germline): Uncertain significance (1 of 4 stars; one submission).

Submission:

Labcorp Genetics (formerly Invitae), Labcorp
Classification: Uncertain significance. Last evaluated: 2025-07-23. Review status: criteria provided, single submitter. Criteria: Invitae Variant Classification Sherloc (09022015). Collection method: clinical testing. Allele origin: germline.
Comment: This sequence change replaces cysteine, which is neutral and slightly polar, with phenylalanine, which is neutral and non-polar, at codon 141 of the MSH3 protein (p.Cys141Phe). This variant is not present in population databases (gnomAD no frequency). This variant has not been reported in the literature in individuals affected with MSH3-related conditions. ClinVar contains an entry for this variant (Variation ID: 1051761). An algorithm developed to predict the effect of missense changes on protein structure and function (PolyPhen-2) suggests that this variant is likely to be tolerated. In summary, the available evidence is currently insufficient to determine the role of this variant in disease. Therefore, it has been classified as a Variant of Uncertain Significance.

NM_002439.5(MSH3):c.422G>T (p.Cys141Phe)

Gene: MSH3 (mutS homolog 3; plus strand). Cytogenetic location: 5q14.1.
Variant type: single nucleotide variant.
Coding change: c.422G>T on transcript NM_002439.5 (MANE Select); coding-DNA position 422, G replaced by T.
Protein change: p.Cys141Phe; replaces cysteine 141 with phenylalanine.
Molecular consequence: missense variant.
Genome position (GRCh38, 1-based): chr5:80,665,206, G>T. VCF-style: chr5-80665206-G-T. GRCh37 (hg19) VCF-style: chr5-79961025-G-T.
Other names: short protein forms C141F.
Identifiers: ClinVar variation 1051761 (VCV001051761.9), dbSNP rs1749541470, ClinGen allele CA360263307.
Genomic context (GRCh38, chr5:80,665,206, plus strand): 5'-CAAAGAAATGTCTGAGGACCAGGAATGTTTCAAAGTCTCTGGAAAAATTGAAAGAATTCT[G>T]CTGCGATTCTGCCCTTCCTCAAAGTAGAGTCCAGACAGAATCTCTGCAGGAGAGATTTGC-3'
Protein context (NP_002430.3, residues 131-151): SKSLEKLKEF[Cys141Phe]CDSALPQSRV